The following is an entry in ClinVar:

ClinVar aggregate classification (germline): Uncertain significance (1 of 4 stars; one submission).

Conditions:
Usher syndrome type 2A. Also called: RETINAL DISEASE IN USHER SYNDROME TYPE IIA, MODIFIER OF; USHER SYNDROME, TYPE IIA. Identifiers: Orphanet 231178, Orphanet 886, MedGen C1848634, MONDO:0010169, OMIM 276901.

Allele frequency attached by ClinVar (database versions not stated): gnomAD exomes 0.00001.
gnomAD v4.1: 4 of 1,613,744 alleles (0.00025%); highest among the groups gnomAD compares: Non-Finnish European, 0.00034%; no homozygotes.

Submission:

Illumina Laboratory Services, Illumina
Classification: Uncertain significance for Usher syndrome type 2A. Last evaluated: 2020-09-30. Review status: criteria provided, single submitter. Criteria: ICSLVariantClassificationCriteria RUGD 01 April 2020. Collection method: clinical testing. Allele origin: unknown.
Comment: The USH2A c.9155A>G (p.Glu3052Gly) variant is a missense variant. A literature search was performed for the gene, cDNA change, and amino acid change. No publications were found based on this search. This variant is not found in the Genome Aggregation Database in a region of good sequence coverage, so the variant is presumed to be rare. Based on the limited evidence, the c.9155A>G p.Glu3052Gly variant is classified as a variant of uncertain significance for Usher syndrome type 2.

NM_206933.4(USH2A):c.9155A>G (p.Glu3052Gly)

Gene: USH2A (usherin; minus strand). Cytogenetic location: 1q41.
Variant type: single nucleotide variant.
Coding change: c.9155A>G on transcript NM_206933.4 (MANE Select); coding-DNA position 9155, A replaced by G.
Protein change: p.Glu3052Gly; replaces glutamic acid 3052 with glycine.
Molecular consequence: missense variant.
Genome position (GRCh38, 1-based): chr1:215,844,397, T>C on the plus strand (A>G on the coding strand, the complement: USH2A is on the minus strand). VCF-style: chr1-215844397-T-C. GRCh37 (hg19) VCF-style: chr1-216017739-T-C.
Other names: short protein forms E3052G.
Identifiers: ClinVar variation 3062086 (VCV003062086.1), dbSNP rs2464606337, ClinGen allele CA344838858.